The following is an entry in ClinVar:

NM_000038.6(APC):c.646-19G>T

Gene: APC (APC regulator of Wnt signaling pathway; plus strand). Cytogenetic location: 5q22.2.
Variant type: single nucleotide variant.
Coding change: c.646-19G>T on transcript NM_000038.6 (MANE Select); 19 bases into the intron before coding-DNA position 646, G replaced by T.
Molecular consequence: intron variant.
Genome position (GRCh38, 1-based): chr5:112,792,427, G>T. VCF-style: chr5-112792427-G-T. GRCh37 (hg19) VCF-style: chr5-112128124-G-T.
Other names: c.-390-19G>T (NM_001407470.1, NM_001407472.1, NM_001354906.2 and 1 more transcripts); c.646-19G>T (NM_001407447.1, NM_001407460.1, NM_001354895.2 and 12 more transcripts); c.646-8852G>T (NM_001407452.1, NM_001407469.1, NM_001354899.2 and 1 more transcripts); c.676-19G>T (NM_001407446.1, NM_001354897.2, NM_001354902.2); c.676-8852G>T (NM_001127511.3); c.469-19G>T (NM_001407453.1, NM_001354900.2, NM_001354901.2 and 1 more transcripts); c.571-19G>T (NM_001407451.1, NM_001354898.2, NM_001354904.2).
Identifiers: ClinVar variation 3148770 (VCV003148770.1), dbSNP rs1759722058, ClinGen allele CA2709805282.
Genomic context (GRCh38, chr5:112,792,427, plus strand): 5'-AGTGGTAGCCATAGTATGATTATTTCTATTAATATTATTAATAAAAACATAACTAATTAG[G>T]TTTCTTGTTTTATTTTAGCGAAGAATAGCCAGAATTCAGCAAATCGAAAAGGACATACTT-3'

ClinVar aggregate classification (germline): Likely benign (1 of 4 stars; one submission).

Conditions:
Familial adenomatous polyposis 1 (FAP1). Also called: POLYPOSIS, ADENOMATOUS INTESTINAL; FAMILIAL ADENOMATOUS POLYPOSIS 1, ATTENUATED. Identifiers: MedGen C2713442, MONDO:0021056, OMIM 175100. Disease mechanism: loss of function.

Submission:

Myriad Genetics, Inc.
Classification: Likely benign for Familial adenomatous polyposis 1. Last evaluated: 2024-02-26. Review status: criteria provided, single submitter. Criteria: Myriad Autosomal Dominant, Autosomal Recessive and X-Linked Classification Criteria (2023). Collection method: clinical testing. Allele origin: unknown.
Comment: This variant is considered likely benign. This variant is intronic and is not expected to impact mRNA splicing.